The following is an entry in ClinVar:

ClinVar aggregate classification (germline): Pathogenic (1 of 4 stars; one submission).

Conditions:
Retinoblastoma (RB1). Also called: RETINOBLASTOMA, SOMATIC. Identifiers: Orphanet 790, MedGen C0035335, MeSH D012175, MONDO:0008380, OMIM 180200, HP:0009919. Disease mechanism: loss of function. Inheritance: Both sporadic and heritable forms are tested..

Submission:

Genetic Diagnostic Laboratory, University of Pennsylvania School of Medicine
Classification: Pathogenic for Retinoblastoma. Last evaluated: 2024-05-20. Review status: criteria provided, single submitter. Criteria: ACMG Guidelines, 2015. Collection method: clinical testing. Allele origin: germline. Affected: yes. Observed: 1 variant allele.
Comment: Case and Pedigree Information: BILATERAL CASES:1, UNILATERAL CASES:0, TOTAL CASES:1, PEDIGREES:1. ACMG Codes Applied:PVS1, PM2

NM_000321.3(RB1):c.1421+2T>G

Gene: RB1 (RB transcriptional corepressor 1; plus strand). Cytogenetic location: 13q14.2.
Variant type: single nucleotide variant.
Coding change: c.1421+2T>G on transcript NM_000321.3 (MANE Select); the canonical splice donor site of the intron after coding-DNA position 1421, T replaced by G.
Molecular consequence: splice donor variant.
Genome position (GRCh38, 1-based): chr13:48,380,086, T>G. VCF-style: chr13-48380086-T-G. GRCh37 (hg19) VCF-style: chr13-48954222-T-G.
Other names: c.1421+2T>G (NM_001407165.1, NM_001407166.1).
Identifiers: ClinVar variation 3236983 (VCV003236983.1), dbSNP rs2542204239.
Genomic context (GRCh38, chr13:48,380,086, plus strand): 5'-TTTTTTTTTTTAAATTATCTGTTTCAGGAAGAAGAACGATTATCCATTCAAAATTTTAGG[T>G]AAATTTTTTACTTTTAGTAAAAAATTTTTTTCTTTTTATAGAAGTAAGTATTTTATAATC-3'